The following is an entry in ClinVar:

ClinVar aggregate classification (germline): Uncertain significance. Review status: criteria provided, multiple submitters, no conflicts (2 of 4 stars). 2 submissions from 2 submitters: Uncertain significance (2). Last evaluated 2025-04-24.

Allele frequency attached by ClinVar (database versions not stated): TOPMed 0.00001; gnomAD exomes 0.00002; gnomAD 0.00003; ExAC 0.00007.
gnomAD v4.1: 36 of 1,614,028 alleles (0.0022%); highest among the groups gnomAD compares: Non-Finnish European, 0.0025%; no homozygotes.

Submissions (2):

Ambry Genetics
Classification: Uncertain significance. Last evaluated: 2025-04-24. Review status: criteria provided, single submitter. Criteria: Ambry Variant Classification Scheme 2023. Collection method: clinical testing. Allele origin: germline.

Labcorp Genetics (formerly Invitae), Labcorp
Classification: Uncertain significance. Last evaluated: 2023-12-21. Review status: criteria provided, single submitter. Criteria: Invitae Variant Classification Sherloc (09022015). Collection method: clinical testing. Allele origin: germline.
Comment: This sequence change replaces asparagine, which is neutral and polar, with serine, which is neutral and polar, at codon 57 of the NEK2 protein (p.Asn57Ser). This variant is present in population databases (rs775627721, gnomAD 0.01%). This variant has not been reported in the literature in individuals affected with NEK2-related conditions. ClinVar contains an entry for this variant (Variation ID: 1904020). An algorithm developed to predict the effect of missense changes on protein structure and function (PolyPhen-2) suggests that this variant is likely to be disruptive. In summary, the available evidence is currently insufficient to determine the role of this variant in disease. Therefore, it has been classified as a Variant of Uncertain Significance.

NM_002497.4(NEK2):c.170A>G (p.Asn57Ser)

Gene: NEK2 (NIMA related kinase 2; minus strand). Cytogenetic location: 1q32.3.
Variant type: single nucleotide variant.
Coding change: c.170A>G on transcript NM_002497.4 (MANE Select); coding-DNA position 170, A replaced by G.
Protein change: p.Asn57Ser; replaces asparagine 57 with serine.
Molecular consequence: missense variant.
Genome position (GRCh38, 1-based): chr1:211,674,440, T>C on the plus strand (A>G on the coding strand, the complement: NEK2 is on the minus strand). VCF-style: chr1-211674440-T-C. GRCh37 (hg19) VCF-style: chr1-211847782-T-C.
Other names: c.170A>G, p.Asn57Ser (NM_001204182.2, NM_001204183.2); c.170A>G (NM_002497.3); short protein forms N57S.
Identifiers: ClinVar variation 1904020 (VCV001904020.6), dbSNP rs775627721, ClinGen allele CA1381744.
Genomic context (GRCh38, chr1:211,674,440, plus strand): 5'-CGGTCAATAATCCGATCATAGTAACGAACGATGTTTGGATGTTTCAGTTCACGAAGCAAA[T>C]TCACTTCAGAAACAAGCATCTGTTTCTCAGCTTCTGTCATGGAGCCATAGTCAAGTTCTT-3'
Protein context (NP_002488.1, residues 47-67): AEKQMLVSEV[Asn57Ser]LLRELKHPNI